The following is an entry in ClinVar:

NM_017763.6(RNF43):c.1982C>T (p.Ser661Phe)

Gene: RNF43 (ring finger protein 43; minus strand). Cytogenetic location: 17q22.
Variant type: single nucleotide variant.
Coding change: c.1982C>T on transcript NM_017763.6 (MANE Select); coding-DNA position 1982, C replaced by T.
Protein change: p.Ser661Phe; replaces serine 661 with phenylalanine.
Molecular consequence: missense variant.
Genome position (GRCh38, 1-based): chr17:58,357,794, G>A on the plus strand (C>T on the coding strand, the complement: RNF43 is on the minus strand). VCF-style: chr17-58357794-G-A. GRCh37 (hg19) VCF-style: chr17-56435155-G-A.
Other names: c.1982C>T, p.Ser661Phe (NM_001305544.3); c.1601C>T, p.Ser534Phe (NM_001305545.2); c.1982C>T (NM_017763.4); short protein forms S534F, S661F.
Identifiers: ClinVar variation 1389445 (VCV001389445.9), dbSNP rs1170146965, ClinGen allele CA400386689.
Genomic context (GRCh38, chr17:58,357,794, plus strand): 5'-AAAATCTGGCAAGCTGGGTGCACAGTTGCATCCTGGGGCCGAGAGCCAGGGGTGGGCTCG[G>A]AGGGACCCCCCCGCCTTTTCCTCTGTGGGTGTCGGGCAGAGAGGCTGGATTTTTGCAAGT-3'
Protein context (NP_060233.3, residues 651-671): HPQRKRRGGP[Ser661Phe]EPTPGSRPQD

ClinVar aggregate classification (germline): Conflicting classifications of pathogenicity. Review status: criteria provided, conflicting classifications (1 of 4 stars). 2 submissions from 2 submitters: Uncertain significance (1); Likely benign (1). Last evaluated 2026-03-26.

Allele frequency attached by ClinVar (database versions not stated): gnomAD exomes 0.00001.
gnomAD v4.1: 10 of 1,614,138 alleles (0.00062%); highest among the groups gnomAD compares: Non-Finnish European, 0.00085%; no homozygotes.

Submissions (2):

Ambry Genetics
Classification: Likely benign. Last evaluated: 2026-03-26. Review status: criteria provided, single submitter. Criteria: Ambry Variant Classification Scheme 2023. Collection method: clinical testing. Allele origin: germline.

Labcorp Genetics (formerly Invitae), Labcorp
Classification: Uncertain significance. Last evaluated: 2021-04-23. Review status: criteria provided, single submitter. Criteria: Invitae Variant Classification Sherloc (09022015). Collection method: clinical testing. Allele origin: germline.
Comment: In summary, the available evidence is currently insufficient to determine the role of this variant in disease. Therefore, it has been classified as a Variant of Uncertain Significance. Algorithms developed to predict the effect of missense changes on protein structure and function (SIFT, PolyPhen-2, Align-GVGD) all suggest that this variant is likely to be tolerated, but these predictions have not been confirmed by published functional studies and their clinical significance is uncertain. This variant has not been reported in the literature in individuals with RNF43-related conditions. This variant is not present in population databases (ExAC no frequency). This sequence change replaces serine with phenylalanine at codon 661 of the RNF43 protein (p.Ser661Phe). The serine residue is moderately conserved and there is a large physicochemical difference between serine and phenylalanine.